The following is an entry in ClinVar:

NM_000368.5(TSC1):c.445C>G (p.Gln149Glu)

Gene: TSC1 (TSC complex subunit 1; minus strand). Cytogenetic location: 9q34.13.
Variant type: single nucleotide variant.
Coding change: c.445C>G on transcript NM_000368.5 (MANE Select); coding-DNA position 445, C replaced by G.
Protein change: p.Gln149Glu; replaces glutamine 149 with glutamic acid.
Molecular consequence: missense variant.
Genome position (GRCh38, 1-based): chr9:132,923,411, G>C on the plus strand (C>G on the coding strand, the complement: TSC1 is on the minus strand). VCF-style: chr9-132923411-G-C. GRCh37 (hg19) VCF-style: chr9-135798798-G-C.
Other names: c.445C>G, p.Gln149Glu (NM_001162426.2); c.292C>G, p.Gln98Glu (NM_001162427.2); c.82C>G, p.Gln28Glu (NM_001362177.2); short protein forms Q149E, Q98E, Q28E.
Identifiers: ClinVar variation 486592 (VCV000486592.15), dbSNP rs118203384, ClinGen allele CA375373395.

ClinVar aggregate classification (germline): Conflicting classifications of pathogenicity. Review status: criteria provided, conflicting classifications (1 of 4 stars). 3 submissions from 3 submitters: Uncertain significance (2); Likely benign (1). Last evaluated 2025-04-18.

Conditions:
Hereditary cancer-predisposing syndrome. Also called: Tumor predisposition; Neoplastic Syndromes, Hereditary; Hereditary Cancer Syndrome; Hereditary neoplastic syndrome. Identifiers: Orphanet 140162, MedGen C0027672, MeSH D009386, MONDO:0015356.
Tuberous sclerosis 1 (TSC1). Identifiers: Orphanet 805, MedGen C1854465, MONDO:0008612, OMIM 191100.

Allele frequency attached by ClinVar (database versions not stated): gnomAD exomes below 0.00001.
gnomAD v4.1: 2 of 1,614,180 alleles (0.00012%); highest among the groups gnomAD compares: Non-Finnish European, 0.00017%; no homozygotes.

Submissions (3):

Ambry Genetics
Classification: Uncertain significance for Hereditary cancer-predisposing syndrome. Last evaluated: 2025-04-18. Review status: criteria provided, single submitter. Criteria: Ambry Variant Classification Scheme 2023. Collection method: clinical testing. Allele origin: germline.
Comment: The p.Q149E variant (also known as c.445C>G), located in coding exon 4 of the TSC1 gene, results from a C to G substitution at nucleotide position 445. The glutamine at codon 149 is replaced by glutamic acid, an amino acid with highly similar properties. This amino acid position is highly conserved in available vertebrate species. In addition, the in silico prediction for this alteration is inconclusive. Since supporting evidence is limited at this time, the clinical significance of this alteration remains unclear.

Labcorp Genetics (formerly Invitae), Labcorp
Classification: Likely benign for Tuberous sclerosis 1. Last evaluated: 2024-11-11. Review status: criteria provided, single submitter. Criteria: Invitae Variant Classification Sherloc (09022015). Collection method: clinical testing. Allele origin: germline.

Genome-Nilou Lab
Classification: Uncertain significance for Tuberous sclerosis 1. Last evaluated: 2021-11-07. Review status: criteria provided, single submitter. Criteria: ACMG Guidelines, 2015. Collection method: clinical testing. Allele origin: germline. Affected: no.